The following is an entry in ClinVar:

NM_001845.6(COL4A1):c.144G>A (p.Lys48=)

Gene: COL4A1 (collagen type IV alpha 1 chain; minus strand). Cytogenetic location: 13q34.
Variant type: single nucleotide variant.
Coding change: c.144G>A on transcript NM_001845.6 (MANE Select); coding-DNA position 144, G replaced by A.
Protein change: p.Lys48=; no amino-acid change (lysine 48 retained).
Molecular consequence: synonymous variant.
Genome position (GRCh38, 1-based): chr13:110,242,675, C>T on the plus strand (G>A on the coding strand, the complement: COL4A1 is on the minus strand). VCF-style: chr13-110242675-C-T. GRCh37 (hg19) VCF-style: chr13-110895022-C-T.
Other names: NC_000013.10:g.110895022C>T; c.144G>A, p.Lys48= (NM_001303110.2).
Identifiers: ClinVar variation 3364419 (VCV003364419.2).

ClinVar aggregate classification (germline): Uncertain significance (1 of 4 stars; one submission).

Submissions (2):

GeneDx
Classification: Uncertain significance. Last evaluated: 2023-11-15. Review status: criteria provided, single submitter. Criteria: GeneDx Variant Classification Process June 2021. Collection method: clinical testing. Allele origin: germline. Affected: yes.
Comment: Has not been previously published as pathogenic or benign to our knowledge; Not observed at significant frequency in large population cohorts (gnomAD); In silico analysis suggests this variant may impact gene splicing. In the absence of RNA/functional studies, the actual effect of this sequence change is unknown.

Dr. Peter K. Rogan Lab, Western University
No classification provided (evidence only). Condition: Ovarian serous cystadenocarcinoma. Review status: no classification provided. Collection method: in vitro. Allele origin: not applicable. Functional consequence: retained intron. Not counted in ClinVar's aggregate classification.